The following is an entry in ClinVar:

NM_181486.4(TBX5):c.1273C>A (p.His425Asn)

Gene: TBX5 (T-box transcription factor 5; minus strand). Cytogenetic location: 12q24.21.
Variant type: single nucleotide variant.
Coding change: c.1273C>A on transcript NM_181486.4 (MANE Select); coding-DNA position 1273, C replaced by A.
Protein change: p.His425Asn; replaces histidine 425 with asparagine.
Molecular consequence: missense variant.
Genome position (GRCh38, 1-based): chr12:114,355,816, G>T on the plus strand (C>A on the coding strand, the complement: TBX5 is on the minus strand). VCF-style: chr12-114355816-G-T. GRCh37 (hg19) VCF-style: chr12-114793621-G-T.
Other names: c.1273C>A, p.His425Asn (NM_000192.3); c.1123C>A, p.His375Asn (NM_080717.4); short protein forms H375N, H425N.
Identifiers: ClinVar variation 1025814 (VCV001025814.13), dbSNP rs755152246, ClinGen allele CA6809368.

ClinVar aggregate classification (germline): Conflicting classifications of pathogenicity. Review status: criteria provided, conflicting classifications (1 of 4 stars). 4 submissions from 4 submitters: Uncertain significance (2); Likely benign (2). Last evaluated 2026-09-14.

Conditions:
Aortic valve disease 2 (AOVD2). Identifiers: MedGen C3542024, MONDO:0013902, OMIM 614823.
TBX5-related disorder. Also called: TBX5-related condition.
Cardiovascular phenotype. Identifiers: MedGen CN230736.

Allele frequency attached by ClinVar (database versions not stated): TOPMed 0.00004; gnomAD 0.00005; ExAC 0.00002; gnomAD exomes 0.00004.
gnomAD v4.1: 127 of 1,614,004 alleles (0.0079%); highest among the groups gnomAD compares: Non-Finnish European, 0.011%; no homozygotes.

Submissions (4):

PreventionGenetics, part of Exact Sciences
Classification: Likely benign for TBX5-related condition. Last evaluated: 2026-09-14. Review status: criteria provided, single submitter. Criteria: ACMG Guidelines, 2015. Collection method: clinical testing. Allele origin: germline.
Comment: This variant is classified as likely benign based on ACMG/AMP sequence variant interpretation guidelines (Richards et al. 2015 PMID: 25741868, with internal and published modifications).

Labcorp Genetics (formerly Invitae), Labcorp
Classification: Uncertain significance for Aortic valve disease 2. Last evaluated: 2025-12-28. Review status: criteria provided, single submitter. Criteria: Invitae Variant Classification Sherloc (09022015). Collection method: clinical testing. Allele origin: germline.
Comment: This sequence change replaces histidine, which is basic and polar, with asparagine, which is neutral and polar, at codon 425 of the TBX5 protein (p.His425Asn). This variant is present in population databases (rs755152246, gnomAD 0.009%). This variant has not been reported in the literature in individuals affected with TBX5-related conditions. ClinVar contains an entry for this variant (Variation ID: 1025814). Invitae Evidence Modeling of protein sequence and biophysical properties (such as structural, functional, and spatial information, amino acid conservation, physicochemical variation, residue mobility, and thermodynamic stability) indicates that this missense variant is not expected to disrupt TBX5 protein function with a negative predictive value of 80%. In summary, the available evidence is currently insufficient to determine the role of this variant in disease. Therefore, it has been classified as a Variant of Uncertain Significance.

Ambry Genetics
Classification: Uncertain significance for Cardiovascular phenotype. Last evaluated: 2024-07-11. Review status: criteria provided, single submitter. Criteria: Ambry Variant Classification Scheme 2023. Collection method: clinical testing. Allele origin: germline.
Comment: The p.H425N variant (also known as c.1273C>A), located in coding exon 8 of the TBX5 gene, results from a C to A substitution at nucleotide position 1273. The histidine at codon 425 is replaced by asparagine, an amino acid with similar properties. This amino acid position is conserved. In addition, this alteration is predicted to be tolerated by in silico analysis. Since supporting evidence is limited at this time, the clinical significance of this alteration remains unclear.

Blueprint Genetics
Classification: Likely benign. Last evaluated: 2024-01-11. Review status: criteria provided, single submitter. Criteria: ACMG Guidelines, 2015. Collection method: clinical testing. Allele origin: germline.